The following is an entry in ClinVar:

ClinVar aggregate classification (germline): Uncertain significance. Review status: criteria provided, multiple submitters, no conflicts (2 of 4 stars). 3 submissions from 3 submitters: Uncertain significance (3). Last evaluated 2024-02-28.

Conditions:
Birt-Hogg-Dube syndrome 1 (BHD1). Also called: FIBROFOLLICULOMAS WITH TRICHODISCOMAS AND ACROCHORDONS. Identifiers: Orphanet 122, MedGen CN375946, MONDO:0800445, OMIM 135150.
Familial spontaneous pneumothorax (PSP). Identifiers: Orphanet 2903, MedGen C1868193, MONDO:0008259, OMIM 173600.
Nonpapillary renal cell carcinoma. Identifiers: Orphanet 422526, MedGen CN074294, MONDO:0007763, OMIM 144700.
Colorectal cancer. Also called: Malignant Colorectal Neoplasm; Colorectal cancer, somatic. Identifiers: MedGen C0346629, MONDO:0005575, OMIM 114500.
Hereditary cancer-predisposing syndrome. Also called: Tumor predisposition; Neoplastic Syndromes, Hereditary; Hereditary Cancer Syndrome; Hereditary neoplastic syndrome. Identifiers: Orphanet 140162, MedGen C0027672, MeSH D009386, MONDO:0015356.
Birt-Hogg-Dube syndrome. Also called: Birt Hogg Dubé syndrome. Identifiers: Orphanet 122, MedGen C0346010, MONDO:0800444.

Submissions (3):

Fulgent Genetics
Classification: Uncertain significance for Colorectal cancer; Birt-Hogg-Dube syndrome 1; Nonpapillary renal cell carcinoma; Familial spontaneous pneumothorax. Last evaluated: 2024-02-28. Review status: criteria provided, single submitter. Criteria: ACMG Guidelines, 2015. Collection method: clinical testing. Allele origin: germline.

Ambry Genetics
Classification: Uncertain significance for Hereditary cancer-predisposing syndrome. Last evaluated: 2023-08-25. Review status: criteria provided, single submitter. Criteria: Ambry Variant Classification Scheme 2023. Collection method: clinical testing. Allele origin: germline.
Comment: The p.V424L variant (also known as c.1270G>T), located in coding exon 8 of the FLCN gene, results from a G to T substitution at nucleotide position 1270. The valine at codon 424 is replaced by leucine, an amino acid with highly similar properties. This amino acid position is conserved. In addition, this alteration is predicted to be deleterious by in silico analysis. Since supporting evidence is limited at this time, the clinical significance of this alteration remains unclear.

Labcorp Genetics (formerly Invitae), Labcorp
Classification: Uncertain significance for Birt-Hogg-Dube syndrome. Last evaluated: 2022-12-29. Review status: criteria provided, single submitter. Criteria: Invitae Variant Classification Sherloc (09022015). Collection method: clinical testing. Allele origin: germline.
Comment: This variant is not present in population databases (gnomAD no frequency). In summary, the available evidence is currently insufficient to determine the role of this variant in disease. Therefore, it has been classified as a Variant of Uncertain Significance. Advanced modeling of protein sequence and biophysical properties (such as structural, functional, and spatial information, amino acid conservation, physicochemical variation, residue mobility, and thermodynamic stability) performed at Invitae indicates that this missense variant is not expected to disrupt FLCN protein function. This variant has not been reported in the literature in individuals affected with FLCN-related conditions. This sequence change replaces valine, which is neutral and non-polar, with leucine, which is neutral and non-polar, at codon 424 of the FLCN protein (p.Val424Leu).

NM_144997.7(FLCN):c.1270G>T (p.Val424Leu)

Gene: FLCN (folliculin; minus strand). Cytogenetic location: 17p11.2.
Variant type: single nucleotide variant.
Coding change: c.1270G>T on transcript NM_144997.7 (MANE Select); coding-DNA position 1270, G replaced by T.
Protein change: p.Val424Leu; replaces valine 424 with leucine.
Molecular consequence: missense variant.
Genome position (GRCh38, 1-based): chr17:17,216,410, C>A on the plus strand (G>T on the coding strand, the complement: FLCN is on the minus strand). VCF-style: chr17-17216410-C-A. GRCh37 (hg19) VCF-style: chr17-17119724-C-A.
Other names: c.1324G>T, p.Val442Leu (NM_001353229.2); c.1270G>T, p.Val424Leu (NM_001353230.2, NM_001353231.2); short protein forms V424L, V442L.
Identifiers: ClinVar variation 2586502 (VCV002586502.6), dbSNP rs1264775833, ClinGen allele CA398531670.
Genomic context (GRCh38, chr17:17,216,410, plus strand): 5'-CATGGCCCCACAGCCCGCGGGGGCACGCACCTGAGGAGAGCACGTGGGGGGGGATCTGCA[C>A]GTGCGGGCTGAGCCCCAGGAAGTTGCACCGATAGGCCTCCTCGTACTGGCTGCTGTATGG-3'
Protein context (NP_659434.2, residues 414-434): RCNFLGLSPH[Val424Leu]QIPPHVLSSE